The following is an entry in ClinVar:

ClinVar aggregate classification (germline): Uncertain significance (1 of 4 stars; one submission).

Conditions:
Developmental and epileptic encephalopathy, 32 (DEE32). Also called: Epileptic encephalopathy, early infantile, 32. Identifiers: Orphanet 442835, MedGen C4225350, MONDO:0014607, OMIM 616366.

gnomAD v4.1: 1 of 1,614,182 alleles (0.000062%); highest among the groups gnomAD compares: Non-Finnish European, 0.000085%; no homozygotes.

Submission:

Labcorp Genetics (formerly Invitae), Labcorp
Classification: Uncertain significance for Developmental and epileptic encephalopathy, 32. Last evaluated: 2024-11-19. Review status: criteria provided, single submitter. Criteria: Invitae Variant Classification Sherloc (09022015). Collection method: clinical testing. Allele origin: germline.
Comment: This sequence change replaces methionine, which is neutral and non-polar, with valine, which is neutral and non-polar, at codon 66 of the KCNA2 protein (p.Met66Val). This variant is not present in population databases (gnomAD no frequency). This variant has not been reported in the literature in individuals affected with KCNA2-related conditions. Invitae Evidence Modeling of protein sequence and biophysical properties (such as structural, functional, and spatial information, amino acid conservation, physicochemical variation, residue mobility, and thermodynamic stability) indicates that this missense variant is not expected to disrupt KCNA2 protein function with a negative predictive value of 95%. In summary, the available evidence is currently insufficient to determine the role of this variant in disease. Therefore, it has been classified as a Variant of Uncertain Significance.

NM_004974.4(KCNA2):c.196A>G (p.Met66Val)

Gene: KCNA2 (potassium voltage-gated channel subfamily A member 2; minus strand). Cytogenetic location: 1p13.3.
Variant type: single nucleotide variant.
Coding change: c.196A>G on transcript NM_004974.4 (MANE Select); coding-DNA position 196, A replaced by G.
Protein change: p.Met66Val; replaces methionine 66 with valine.
Molecular consequence: missense variant.
Genome position (GRCh38, 1-based): chr1:110,604,587, T>C on the plus strand (A>G on the coding strand, the complement: KCNA2 is on the minus strand). VCF-style: chr1-110604587-T-C. GRCh37 (hg19) VCF-style: chr1-111147209-T-C.
Other names: c.196A>G, p.Met66Val (NM_001204269.2); short protein forms M66V.
Identifiers: ClinVar variation 3697683 (VCV003697683.2).